The following is an entry in ClinVar:

NM_005475.3(SH2B3):c.491G>A (p.Gly164Glu)

Gene: SH2B3 (SH2B adaptor protein 3; plus strand). Cytogenetic location: 12q24.12.
Variant type: single nucleotide variant.
Coding change: c.491G>A on transcript NM_005475.3 (MANE Select); coding-DNA position 491, G replaced by A.
Protein change: p.Gly164Glu; replaces glycine 164 with glutamic acid.
Molecular consequence: missense variant.
Genome position (GRCh38, 1-based): chr12:111,418,636, G>A. VCF-style: chr12-111418636-G-A. GRCh37 (hg19) VCF-style: chr12-111856440-G-A.
Other names: short protein forms G164E.
Identifiers: ClinVar variation 3953376 (VCV003953376.1).
Genomic context (GRCh38, chr12:111,418,636, plus strand): 5'-ACATCTTCCGCCGCCGCTCGGCCGGGGAGCTGCCAGCGGCCCACACCGCTGCCGCCCCCG[G>A]GACCCCCGGAGAGGCTGCTGAGACCCCCGCCCGGCCTGGCCTGGCCAAGAAGTTCCTGCC-3'
Protein context (NP_005466.1, residues 154-174): LPAAHTAAAP[Gly164Glu]TPGEAAETPA

ClinVar aggregate classification (germline): Uncertain significance (1 of 4 stars; one submission).

Conditions:
Inborn genetic diseases. Identifiers: MedGen C0950123, MeSH D030342.

gnomAD v4.1: 1 of 1,474,060 alleles (0.000068%); highest among the groups gnomAD compares: Admixed American, 0.0024%; no homozygotes.

Submission:

Ambry Genetics
Classification: Uncertain significance for Inborn genetic diseases. Last evaluated: 2025-03-22. Review status: criteria provided, single submitter. Criteria: Ambry Variant Classification Scheme 2023. Collection method: clinical testing. Allele origin: germline.
Comment: The p.G164E variant (also known as c.491G>A), located in coding exon 1 of the SH2B3 gene, results from a G to A substitution at nucleotide position 491. The glycine at codon 164 is replaced by glutamic acid, an amino acid with similar properties. This amino acid position is conserved. In addition, this alteration is predicted to be tolerated by in silico analysis. Based on the available evidence, the clinical significance of this variant remains unclear.